The following is an entry in ClinVar:

NM_024996.7(GFM1):c.475_476insGACA (p.Asn159fs)

Gene: GFM1 (G elongation factor mitochondrial 1; plus strand). Cytogenetic location: 3q25.32.
Variant type: Insertion.
Coding change: c.475_476insGACA on transcript NM_024996.7 (MANE Select); coding-DNA positions 475 to 476, GACA inserted.
Protein change: p.Asn159fs; shifts the reading frame from asparagine 159.
Molecular consequence: frameshift variant. On other transcripts: non-coding transcript variant (3), intron variant (4).
Genome position: GRCh38 VCF-style: chr3-158646848-T-TCAGA. GRCh37 (hg19) VCF-style: chr3-158364637-T-TCAGA.
Other names: c.475_476insGACA, p.Asn159fs (NM_001308164.2, NM_001308166.2, NM_001374355.1 and 1 more transcripts); c.250_251insGACA, p.Asn84fs (NM_001374357.1); c.5+1069_5+1070insGACA (NM_001374359.1, NM_001374360.1, NM_001374361.1); c.234+1069_234+1070insGACA (NM_001374358.1); short protein forms N159fs, N84fs.
Identifiers: ClinVar variation 4816186 (VCV004816186.1).

ClinVar aggregate classification (germline): Likely pathogenic (1 of 4 stars; one submission).

Conditions:
Hepatoencephalopathy due to combined oxidative phosphorylation defect type 1. Also called: HEPATOENCEPHALOPATHY, EARLY FATAL PROGRESSIVE. Identifiers: Orphanet 137681, MedGen C1836797, MONDO:0012191, OMIM 609060.

Submission:

Natera, Inc.
Classification: Likely pathogenic for Combined oxidative phosphorylation deficiency 1. Last evaluated: 2024-07-30. Review status: criteria provided, single submitter. Criteria: Natera Variant Classification Schema (03/2026). Collection method: clinical testing. Allele origin: germline.
Comment: The c.475_476insGACA variant in GFM1 is a frameshift variant predicted to shift the reading frame beginning at codon 159 and leads to a stop codon 17 codons downstream. This variant is expected to result in nonsense mediated decay, truncation, or a dysfunctional protein product. This variant is rare in the general population with a frequency below the threshold expected for the associated phenotype(s). Given the available evidence, this variant is classified as Likely Pathogenic.